The following is an entry in ClinVar:

NM_015192.4(PLCB1):c.594+2014T>C

Gene: PLCB1 (phospholipase C beta 1; plus strand). Cytogenetic location: 20p12.3.
Variant type: single nucleotide variant.
Coding change: c.594+2014T>C on transcript NM_015192.4 (MANE Select); 2014 bases into the intron after coding-DNA position 594, T replaced by C.
Molecular consequence: intron variant.
Genome position (GRCh38, 1-based): chr20:8,651,463, T>C. VCF-style: chr20-8651463-T-C. GRCh37 (hg19) VCF-style: chr20-8632110-T-C.
Other names: c.594+2014T>C (NM_182734.3).
Identifiers: ClinVar variation 4085359 (VCV004085359.8).

ClinVar aggregate classification (germline): Likely benign (1 of 4 stars; one submission).

gnomAD v4.1: 2 of 727,640 alleles (0.00027%); highest among the groups gnomAD compares: Non-Finnish European, 0.00051%; no homozygotes.

Submission:

CeGaT Center for Human Genetics Tuebingen
Classification: Likely benign. Last evaluated: 2025-07-01. Review status: criteria provided, single submitter. Criteria: CeGaT Center For Human Genetics Tuebingen Variant Classification Criteria Version 2. Collection method: clinical testing. Allele origin: germline. Affected: yes. Observed: 1 variant allele.
Comment: PLCB1: BP4, BP7